The following is an entry in ClinVar:

ClinVar aggregate classification (germline): Uncertain significance (1 of 4 stars; one submission).

Submission:

GeneDx
Classification: Uncertain significance. Last evaluated: 2026-02-12. Review status: criteria provided, single submitter. Criteria: GeneDx Variant Classification Process June 2021. Collection method: clinical testing. Allele origin: germline. Affected: yes.
Comment: Not observed at significant frequency in large population cohorts (gnomAD); Canonical splice site variant with an unclear effect on protein function; Has not been previously published as pathogenic or benign to our knowledge

NM_130811.4(SNAP25):c.114_114+1delinsTT

Gene: SNAP25 (synaptosome associated protein 25; plus strand). Cytogenetic location: 20p12.2.
Variant type: Indel.
Coding change: c.114_114+1delinsTT on transcript NM_130811.4 (MANE Select); coding-DNA position 114 through the canonical splice donor site of the intron after coding-DNA position 114, GG replaced by TT.
Molecular consequence: splice donor variant.
Genome position (GRCh38, 1-based): chr20:10,277,726-10,277,727, GG replaced by TT. VCF-style: chr20-10277726-GG-TT. GRCh37 (hg19) VCF-style: chr20-10258374-GG-TT.
Other names: c.114_114+1delinsTT (NM_001424416.1, NM_001322907.2, NM_001322910.2 and 9 more transcripts).
Identifiers: ClinVar variation 3371015 (VCV003371015.2).